The following is an entry in ClinVar:

ClinVar aggregate classification (germline): Pathogenic (1 of 4 stars; one submission).

Submission:

GeneDx
Classification: Pathogenic. Last evaluated: 2016-04-11. Review status: criteria provided, single submitter. Criteria: GeneDx Variant Classification (06012015). Collection method: clinical testing. Allele origin: germline. Affected: yes.
Comment: The c.847_849+2delGAGGT splice site variant in the PHEX gene destroys the canonical splice donor site in intron 7. It is predicted to cause abnormal gene splicing, either leading to an abnormal message that is subject to nonsense-mediated mRNA decay, or to an abnormal protein product if the message is used for protein translation. Additionally, other splice variants at the same splice donor site (c.849+1 G>T, c.849+1 G>A) have been reported in the Human Gene Mutation Database in association with X-linked hypophosphatemic rickets (Stenson et al., 2014). The variant was not observed in approximately 6,500 individuals of European and African American ancestry in the NHLBI Exome Sequencing Project, indicating it is not a common benign variant in these populations.

NM_000444.6(PHEX):c.847_849+2del

Gene: PHEX (phosphate regulating endopeptidase homolog X-linked; plus strand). Cytogenetic location: Xp22.11.
Variant type: Deletion.
Coding change: c.847_849+2del on transcript NM_000444.6 (MANE Select); coding-DNA position 847 through the canonical splice donor site of the intron after coding-DNA position 849, 5 bases deleted (GAGGT; older notation c.847_849+2delGAGGT).
Molecular consequence: splice donor variant.
Genome position (GRCh38, 1-based): chrX:22,094,097-22,094,101, GAGGT deleted; deleting any 5 consecutive bases within chrX:22,094,096-22,094,101 gives the same sequence; the c. name uses the placement nearest the transcript's 3' end. VCF-style (leftmost placement, unchanged base first): chrX-22094095-CTGAGG-C. GRCh37 (hg19) VCF-style: chrX-22112213-CTGAGG-C.
Other names: c.847_849+2delGAGGT (NM_000444.4); c.847_849+2del (NM_001282754.2).
Identifiers: ClinVar variation 280487 (VCV000280487.2), dbSNP rs886041681, ClinGen allele CA10603563.
Genomic context (GRCh38, chrX:22,094,095, plus strand): 5'-CTAACAGTTCCAGAGCAGAGCATGACATGAAGTCAGTGCTCAGATTGGAAATTAAGATAG[CTGAGG>C]TAAGTCTTCACTGAAAATCTCTTTCTTTCCTTTACTTTCTTTTCTTTTCCTTTACTTTCT-3'